The following is an entry in ClinVar:

ClinVar aggregate classification (germline): Uncertain significance (1 of 4 stars; one submission).

Conditions:
Fanconi anemia (FA). Also called: Fanconi's anemia. Identifiers: Orphanet 84, MedGen C0015625, MeSH D005199, MONDO:0019391.

Allele frequency attached by ClinVar (database versions not stated): gnomAD exomes below 0.00001 and 0.00001; gnomAD 0.00001; ExAC 0.00002.
gnomAD v4.1: 5 of 1,612,264 alleles (0.00031%); highest among the groups gnomAD compares: Admixed American, 0.0067%; no homozygotes.

Submission:

Labcorp Genetics (formerly Invitae), Labcorp
Classification: Uncertain significance for Fanconi anemia. Last evaluated: 2019-04-26. Review status: criteria provided, single submitter. Criteria: Invitae Variant Classification Sherloc (09022015). Collection method: clinical testing. Allele origin: germline.
Comment: This sequence change replaces asparagine with lysine at codon 344 of the FANCM protein (p.Asn344Lys). The asparagine residue is moderately conserved and there is a moderate physicochemical difference between asparagine and lysine. This variant is present in population databases (rs757823478, ExAC 0.02%). This variant has not been reported in the literature in individuals with FANCM-related conditions. Algorithms developed to predict the effect of missense changes on protein structure and function (SIFT, PolyPhen-2, Align-GVGD) all suggest that this variant is likely to be tolerated, but these predictions have not been confirmed by published functional studies and their clinical significance is uncertain. In summary, the available evidence is currently insufficient to determine the role of this variant in disease. Therefore, it has been classified as a Variant of Uncertain Significance.

NM_020937.4(FANCM):c.1032C>A (p.Asn344Lys)

Gene: FANCM (FA complementation group M; plus strand). Cytogenetic location: 14q21.2.
Variant type: single nucleotide variant.
Coding change: c.1032C>A on transcript NM_020937.4 (MANE Select); coding-DNA position 1032, C replaced by A.
Protein change: p.Asn344Lys; replaces asparagine 344 with lysine.
Molecular consequence: missense variant.
Genome position (GRCh38, 1-based): chr14:45,151,510, C>A. VCF-style: chr14-45151510-C-A. GRCh37 (hg19) VCF-style: chr14-45620713-C-A.
Other names: c.954C>A, p.Asn318Lys (NM_001308133.2); c.1032C>A, p.Asn344Lys (NM_001308134.2); short protein forms N318K, N344K.
Identifiers: ClinVar variation 836357 (VCV000836357.7), dbSNP rs757823478, ClinGen allele CA7168908.
Genomic context (GRCh38, chr14:45,151,510, plus strand): 5'-GGATATCCCAAATCTAACAAAATATCAGATAATTCTGGCAAGAGATCAGTTTAGGAAAAA[C>A]CCATCTCCGAATATTGTGGTAGGTATTTTTAAATAAATTTTGATGACAGATTAAATTTTC-3'
Protein context (NP_065988.1, residues 334-354): IILARDQFRK[Asn344Lys]PSPNIVGIQQ